The following is an entry in ClinVar:

NM_001321142.2(CIDEC):c.146C>T (p.Thr49Met)

Gene: CIDEC (cell death inducing DFFA like effector c; minus strand). Cytogenetic location: 3p25.3.
Variant type: single nucleotide variant.
Coding change: c.146C>T on transcript NM_001321142.2 (MANE Select); coding-DNA position 146, C replaced by T.
Protein change: p.Thr49Met; replaces threonine 49 with methionine.
Molecular consequence: missense variant. On other transcripts: intron variant (2).
Genome position (GRCh38, 1-based): chr3:9,877,127, G>A on the plus strand (C>T on the coding strand, the complement: CIDEC is on the minus strand). VCF-style: chr3-9877127-G-A. GRCh37 (hg19) VCF-style: chr3-9918811-G-A.
Other names: p.Thr62Met; c.146C>T, p.Thr49Met (NM_022094.3, NM_001199551.2, NM_001199552.2 and 1 more transcripts); c.185C>T, p.Thr62Met (NM_001199623.2); c.-16+1307C>T (NM_001321144.2, NM_001321143.2); c.185C>T (NM_001199623.1); short protein forms T49M, T62M.
Identifiers: ClinVar variation 128770 (VCV000128770.8), dbSNP rs61742367, ClinGen allele CA152420.

ClinVar aggregate classification (germline): Benign. Review status: criteria provided, multiple submitters, no conflicts (2 of 4 stars). 3 submissions from 3 submitters: Benign (3). Last evaluated 2021-08-27.

Allele frequency attached by ClinVar (database versions not stated): TOPMed 0.02348; 1000 Genomes Project 30x 0.01280; gnomAD 0.01966; 1000 Genomes Project 0.01298; ESP Exome Variant Server 0.02249.
gnomAD v4.1: 48,748 of 1,552,452 alleles (3.1%); highest among the groups gnomAD compares: Non-Finnish European, 3.8%; 910 homozygotes.

Submissions (3):

Mayo Clinic Laboratories, Mayo Clinic
Classification: Benign. Last evaluated: 2021-08-27. Review status: criteria provided, single submitter. Criteria: ACMG Guidelines, 2015. Collection method: clinical testing. Allele origin: germline. Observed: 18 variant alleles.
Comment: BS1, BP4

Genetic Services Laboratory, University of Chicago
Classification: Benign for AllHighlyPenetrant. Last evaluated: 2013-11-06. Review status: criteria provided, single submitter. Criteria: ACMG Guidelines, 2007. Collection method: clinical testing. Allele origin: germline. Inheritance: Autosomal recessive inheritance.

Breakthrough Genomics
Classification: Benign. Review status: criteria provided, single submitter. Criteria: ACMG Guidelines, 2015. Collection method: not provided. Allele origin: germline. Inheritance: Autosomal recessive inheritance. Affected: yes.